The following is an entry in ClinVar:

NM_016277.5(RAB23):c.481+10C>T

Gene: RAB23 (RAB23, member RAS oncogene family; minus strand). Cytogenetic location: 6p12.1.
Variant type: single nucleotide variant.
Coding change: c.481+10C>T on transcript NM_016277.5 (MANE Select); 10 bases into the intron after coding-DNA position 481, C replaced by T.
Molecular consequence: intron variant.
Genome position (GRCh38, 1-based): chr6:57,194,760, G>A on the plus strand (C>T on the coding strand, the complement: RAB23 is on the minus strand). VCF-style: chr6-57194760-G-A. GRCh37 (hg19) VCF-style: chr6-57059558-G-A.
Other names: c.481+10C>T (NM_001278666.2, NM_001278667.2, NM_001278668.2 and 1 more transcripts).
Identifiers: ClinVar variation 989996 (VCV000989996.10), dbSNP rs546078370, ClinGen allele CA139736522.

ClinVar aggregate classification (germline): Likely benign. Review status: criteria provided, single submitter (1 of 4 stars). 3 submissions from 3 submitters: Likely benign (1). 2 of the submissions do not count toward it. Last evaluated 2023-02-21.

Conditions:
RAB23-related disorder. Also called: RAB23-related condition.
RAB23-related Carpenter syndrome. Also called: ACPS II; Carpenter syndrome 1. Identifiers: Orphanet 65759, MedGen C4551510, MONDO:0008710, OMIM 201000.
Carpenter syndrome. Identifiers: Orphanet 65759, MedGen C1275078, MONDO:0019012.

Allele frequency attached by ClinVar (database versions not stated): gnomAD exomes 0.00001; gnomAD 0.00004; TOPMed below 0.00001.
gnomAD v4.1: 22 of 1,584,682 alleles (0.0014%); highest among the groups gnomAD compares: Non-Finnish European, 0.0018%; no homozygotes.

Submissions (3):

Labcorp Genetics (formerly Invitae), Labcorp
Classification: Likely benign for Carpenter syndrome. Last evaluated: 2023-02-21. Review status: criteria provided, single submitter. Criteria: Invitae Variant Classification Sherloc (09022015). Collection method: clinical testing. Allele origin: germline.

PreventionGenetics, part of Exact Sciences
Classification: Likely benign for RAB23-related condition. Last evaluated: 2023-07-07. Review status: no assertion criteria provided. Collection method: clinical testing. Allele origin: germline. Not counted in ClinVar's aggregate classification.
Comment: This variant is classified as likely benign based on ACMG/AMP sequence variant interpretation guidelines (Richards et al. 2015 PMID: 25741868, with internal and published modifications).

Natera, Inc.
Classification: Uncertain significance for Acrocephalopolysyndactyly type II. Last evaluated: 2020-08-07. Review status: no assertion criteria provided. Collection method: clinical testing. Allele origin: germline. Not counted in ClinVar's aggregate classification.